The following is an entry in ClinVar:

NM_005562.3(LAMC2):c.185G>A (p.Gly62Asp)

Gene: LAMC2 (laminin subunit gamma 2; plus strand). Cytogenetic location: 1q25.3.
Variant type: single nucleotide variant.
Coding change: c.185G>A on transcript NM_005562.3 (MANE Select); coding-DNA position 185, G replaced by A.
Protein change: p.Gly62Asp; replaces glycine 62 with aspartic acid.
Molecular consequence: missense variant.
Genome position (GRCh38, 1-based): chr1:183,207,986, G>A. VCF-style: chr1-183207986-G-A. GRCh37 (hg19) VCF-style: chr1-183177121-G-A.
Other names: c.185G>A, p.Gly62Asp (NM_018891.3); short protein forms G62D.
Identifiers: ClinVar variation 3363824 (VCV003363824.1).
Genomic context (GRCh38, chr1:183,207,986, plus strand): 5'-AACTTCACAGACAAACTGGTAATGGATTCCGCTGCCTCAACTGCAATGACAACACTGATG[G>A]CATTCACTGCGAGAAGTGCAAGAATGGCTTTTACCGGCACAGAGAAAGGGACCGCTGTTT-3'
Protein context (NP_005553.2, residues 52-72): RCLNCNDNTD[Gly62Asp]IHCEKCKNGF

ClinVar aggregate classification (germline): Uncertain significance (1 of 4 stars; one submission).

Submission:

GeneDx
Classification: Uncertain significance. Last evaluated: 2023-11-01. Review status: criteria provided, single submitter. Criteria: GeneDx Variant Classification Process June 2021. Collection method: clinical testing. Allele origin: germline. Affected: yes.
Comment: Has not been previously published as pathogenic or benign to our knowledge; Not observed at significant frequency in large population cohorts (gnomAD); In silico analysis supports that this missense variant has a deleterious effect on protein structure/function